The following is an entry in ClinVar:

NM_000493.4(COL10A1):c.1267C>A (p.Pro423Thr)

Genes: COL10A1 (collagen type X alpha 1 chain; minus strand), NT5DC1 (5'-nucleotidase domain containing 1; plus strand). Cytogenetic location: 6q22.1.
Variant type: single nucleotide variant.
Coding change: c.1267C>A on transcript NM_000493.4 (MANE Select); coding-DNA position 1267, C replaced by A.
Protein change: p.Pro423Thr; replaces proline 423 with threonine.
Molecular consequence: missense variant. On other transcripts: intron variant (1).
Genome position (GRCh38, 1-based): chr6:116,120,849, G>T on the plus strand (C>A on the coding strand, the complement: COL10A1 is on the minus strand). VCF-style: chr6-116120849-G-T. GRCh37 (hg19) VCF-style: chr6-116442012-G-T.
Other names: c.1267C>A, p.Pro423Thr (NM_001424106.1, NM_001424107.1); c.529+2904G>T (NM_152729.3); short protein forms P423T.
Identifiers: ClinVar variation 4780874 (VCV004780874.1).

ClinVar aggregate classification (germline): Uncertain significance (1 of 4 stars; one submission).

gnomAD v4.1: 9 of 1,614,004 alleles (0.00056%); highest among the groups gnomAD compares: Non-Finnish European, 0.00076%; no homozygotes.

Submission:

Labcorp Genetics (formerly Invitae), Labcorp
Classification: Uncertain significance. Last evaluated: 2025-07-02. Review status: criteria provided, single submitter. Criteria: Invitae Variant Classification Sherloc (09022015). Collection method: clinical testing. Allele origin: germline.
Comment: This sequence change replaces proline, which is neutral and non-polar, with threonine, which is neutral and polar, at codon 423 of the COL10A1 protein (p.Pro423Thr). This variant is present in population databases (rs759211032, gnomAD 0.0009%). This variant has not been reported in the literature in individuals affected with COL10A1-related conditions. Invitae Evidence Modeling of protein sequence and biophysical properties (such as structural, functional, and spatial information, amino acid conservation, physicochemical variation, residue mobility, and thermodynamic stability) has been performed for this missense variant. However, the output from this modeling did not meet the statistical confidence thresholds required to predict the impact of this variant on COL10A1 protein function. In summary, the available evidence is currently insufficient to determine the role of this variant in disease. Therefore, it has been classified as a Variant of Uncertain Significance.